The following is an entry in ClinVar:

NM_018896.5(CACNA1G):c.1955G>A (p.Ser652Asn)

Gene: CACNA1G (calcium voltage-gated channel subunit alpha1 G; plus strand). Cytogenetic location: 17q21.33.
Variant type: single nucleotide variant.
Coding change: c.1955G>A on transcript NM_018896.5 (MANE Select); coding-DNA position 1955, G replaced by A.
Protein change: p.Ser652Asn; replaces serine 652 with asparagine.
Molecular consequence: missense variant. On other transcripts: non-coding transcript variant (5).
Genome position (GRCh38, 1-based): chr17:50,578,218, G>A. VCF-style: chr17-50578218-G-A. GRCh37 (hg19) VCF-style: chr17-48655579-G-A.
Other names: c.1955G>A, p.Ser652Asn (NM_001256324.2, NM_001256325.2, NM_001256326.2 and 24 more transcripts); short protein forms S652N.
Identifiers: ClinVar variation 1314597 (VCV001314597.3), dbSNP rs2144984148, ClinGen allele CA400242520.

ClinVar aggregate classification (germline): Uncertain significance (1 of 4 stars; one submission).

Submission:

GeneDx
Classification: Uncertain significance. Last evaluated: 2024-05-15. Review status: criteria provided, single submitter. Criteria: GeneDx Variant Classification Process June 2021. Collection method: clinical testing. Allele origin: germline. Affected: yes.
Comment: Not observed at significant frequency in large population cohorts (gnomAD); In silico analysis indicates that this missense variant does not alter protein structure/function; Has not been previously published as pathogenic or benign to our knowledge